The following is an entry in ClinVar:

NM_004990.4(MARS1):c.308T>C (p.Leu103Ser)

Gene: MARS1 (methionyl-tRNA synthetase 1; plus strand). Cytogenetic location: 12q13.3.
Variant type: single nucleotide variant.
Coding change: c.308T>C on transcript NM_004990.4 (MANE Select); coding-DNA position 308, T replaced by C.
Protein change: p.Leu103Ser; replaces leucine 103 with serine.
Molecular consequence: missense variant.
Genome position (GRCh38, 1-based): chr12:57,489,452, T>C. VCF-style: chr12-57489452-T-C. GRCh37 (hg19) VCF-style: chr12-57883235-T-C.
Other names: short protein forms L103S.
Identifiers: ClinVar variation 1800176 (VCV001800176.4), dbSNP rs973178859, ClinGen allele CA237807223.

ClinVar aggregate classification (germline): Uncertain significance. Review status: criteria provided, multiple submitters, no conflicts (2 of 4 stars). 3 submissions from 3 submitters: Uncertain significance (3). Last evaluated 2026-01-18.

Conditions:
Charcot-Marie-Tooth disease axonal type 2U. Also called: CHARCOT-MARIE-TOOTH NEUROPATHY, TYPE 2U; CHARCOT-MARIE-TOOTH DISEASE, AXONAL, AUTOSOMAL DOMINANT, TYPE 2U. Identifiers: Orphanet 397735, MedGen C4084821, MONDO:0014566, OMIM 616280.
Severe early-onset pulmonary alveolar proteinosis due to MARS deficiency. Also called: PULMONARY ALVEOLAR PROTEINOSIS, REUNION ISLAND; Interstitial lung and liver disease. Identifiers: Orphanet 440427, MedGen C4225400, MONDO:0014206, OMIM 615486.

Allele frequency attached by ClinVar (database versions not stated): gnomAD exomes 0.00001; TOPMed below 0.00001; gnomAD 0.00001.
gnomAD v4.1: 13 of 1,614,020 alleles (0.00081%); highest among the groups gnomAD compares: East Asian, 0.0022%; no homozygotes.

Submissions (3):

Labcorp Genetics (formerly Invitae), Labcorp
Classification: Uncertain significance for Charcot-Marie-Tooth disease axonal type 2U; Severe early-onset pulmonary alveolar proteinosis due to MARS deficiency. Last evaluated: 2026-01-18. Review status: criteria provided, single submitter. Criteria: Invitae Variant Classification Sherloc (09022015). Collection method: clinical testing. Allele origin: germline.
Comment: This sequence change replaces leucine, which is neutral and non-polar, with serine, which is neutral and polar, at codon 103 of the MARS protein (p.Leu103Ser). The frequency data for this variant in the population databases is considered unreliable, as metrics indicate poor data quality at this position in the gnomAD database. This variant has not been reported in the literature in individuals affected with MARS-related conditions. ClinVar contains an entry for this variant (Variation ID: 1800176). An algorithm developed to predict the effect of missense changes on protein structure and function (PolyPhen-2) suggests that this variant is likely to be tolerated. In summary, the available evidence is currently insufficient to determine the role of this variant in disease. Therefore, it has been classified as a Variant of Uncertain Significance.

Clinical Genetics Laboratory, Skane University Hospital Lund
Classification: Uncertain significance. Last evaluated: 2022-11-23. Review status: criteria provided, single submitter. Criteria: ACMG Guidelines, 2015. Collection method: clinical testing. Allele origin: germline. Affected: yes.

Ambry Genetics
Classification: Uncertain significance. Last evaluated: 2021-01-15. Review status: criteria provided, single submitter. Criteria: Ambry Variant Classification Scheme 2023. Collection method: clinical testing. Allele origin: germline.
Comment: The p.L103S variant (also known as c.308T>C), located in coding exon 4 of the MARS gene, results from a T to C substitution at nucleotide position 308. The leucine at codon 103 is replaced by serine, an amino acid with dissimilar properties. This amino acid position is well conserved in available vertebrate species. In addition, the in silico prediction for this alteration is inconclusive. Since supporting evidence is limited at this time, the clinical significance of this alteration remains unclear.